The following is an entry in ClinVar:

ClinVar aggregate classification (germline): Uncertain significance. Review status: criteria provided, multiple submitters, no conflicts (2 of 4 stars). 2 submissions from 2 submitters: Uncertain significance (2). Last evaluated 2025-06-25.

Conditions:
SCLT1-related disorder. Also called: SCLT1-related condition.

Allele frequency attached by ClinVar (database versions not stated): gnomAD exomes below 0.00001; TOPMed below 0.00001; gnomAD 0.00001.
gnomAD v4.1: 7 of 1,518,004 alleles (0.00046%); highest among the groups gnomAD compares: Non-Finnish European, 0.00046%; no homozygotes.

Submissions (2):

PreventionGenetics, part of Exact Sciences
Classification: Uncertain significance for SCLT1-related condition. Last evaluated: 2025-06-25. Review status: criteria provided, single submitter. Criteria: ACMG Guidelines, 2015. Collection method: clinical testing. Allele origin: germline.
Comment: The SCLT1 c.869G>A variant is predicted to result in the amino acid substitution p.Arg290Lys. This variant occurs at the last nucleotide position of exon 11 and is predicted to interfere with splicing based on a splicing prediction program (SpliceAI, Jaganathan K, et al. 2019. PubMed ID: 30661751). To our knowledge, this variant has not been reported in the literature. This variant is reported in 0.00089% of alleles in individuals of European (Non-Finnish) descent in gnomAD. At this time, the clinical significance of this variant is uncertain due to the absence of conclusive functional and genetic evidence.

Labcorp Genetics (formerly Invitae), Labcorp
Classification: Uncertain significance. Last evaluated: 2022-03-09. Review status: criteria provided, single submitter. Criteria: Invitae Variant Classification Sherloc (09022015). Collection method: clinical testing. Allele origin: germline.
Comment: In summary, the available evidence is currently insufficient to determine the role of this variant in disease. Therefore, it has been classified as a Variant of Uncertain Significance. Variants that disrupt the consensus splice site are a relatively common cause of aberrant splicing (PMID: 17576681, 9536098). Algorithms developed to predict the effect of sequence changes on RNA splicing suggest that this variant may disrupt the consensus splice site. Algorithms developed to predict the effect of missense changes on protein structure and function are either unavailable or do not agree on the potential impact of this missense change (SIFT: "Deleterious"; PolyPhen-2: "Benign"; Align-GVGD: "Class C25"). This variant has not been reported in the literature in individuals affected with SCLT1-related conditions. This variant is not present in population databases (gnomAD no frequency). This sequence change replaces arginine, which is basic and polar, with lysine, which is basic and polar, at codon 290 of the SCLT1 protein (p.Arg290Lys). This variant also falls at the last nucleotide of exon 11, which is part of the consensus splice site for this exon.

Literature cited by the submitters: PubMed 17576681 (cited by Labcorp Genetics (formerly Invitae), Labcorp); PubMed 9536098 (cited by Labcorp Genetics (formerly Invitae), Labcorp).

NM_144643.4(SCLT1):c.869G>A (p.Arg290Lys)

Gene: SCLT1 (sodium channel and clathrin linker 1; minus strand). Cytogenetic location: 4q28.2.
Variant type: single nucleotide variant.
Coding change: c.869G>A on transcript NM_144643.4 (MANE Select); coding-DNA position 869, G replaced by A.
Protein change: p.Arg290Lys; replaces arginine 290 with lysine.
Molecular consequence: missense variant.
Genome position (GRCh38, 1-based): chr4:128,965,227, C>T on the plus strand (G>A on the coding strand, the complement: SCLT1 is on the minus strand). VCF-style: chr4-128965227-C-T. GRCh37 (hg19) VCF-style: chr4-129886382-C-T.
Other names: c.869G>A (NM_144643.3); short protein forms R290K.
Identifiers: ClinVar variation 1427341 (VCV001427341.7), dbSNP rs1478806342, ClinGen allele CA358188986.